The following is an entry in ClinVar:

NM_003482.4(KMT2D):c.6794G>T (p.Gly2265Val)

Gene: KMT2D (lysine methyltransferase 2D; minus strand). Cytogenetic location: 12q13.12.
Variant type: single nucleotide variant.
Coding change: c.6794G>T on transcript NM_003482.4 (MANE Select); coding-DNA position 6794, G replaced by T.
Protein change: p.Gly2265Val; replaces glycine 2265 with valine.
Molecular consequence: missense variant.
Genome position (GRCh38, 1-based): chr12:49,040,976, C>A on the plus strand (G>T on the coding strand, the complement: KMT2D is on the minus strand). VCF-style: chr12-49040976-C-A. GRCh37 (hg19) VCF-style: chr12-49434759-C-A.
Other names: short protein forms G2265V.
Identifiers: ClinVar variation 2118606 (VCV002118606.4), dbSNP rs1943490521, ClinGen allele CA384749654.

ClinVar aggregate classification (germline): Uncertain significance (1 of 4 stars; one submission).

Conditions:
Kabuki syndrome. Also called: Kabuki make-up syndrome; NIIKAWA-KUROKI SYNDROME. Identifiers: Orphanet 2322, MedGen C0796004, MONDO:0016512.

Submission:

Labcorp Genetics (formerly Invitae), Labcorp
Classification: Uncertain significance for Kabuki syndrome. Last evaluated: 2022-03-27. Review status: criteria provided, single submitter. Criteria: Invitae Variant Classification Sherloc (09022015). Collection method: clinical testing. Allele origin: germline.
Comment: In summary, the available evidence is currently insufficient to determine the role of this variant in disease. Therefore, it has been classified as a Variant of Uncertain Significance. Advanced modeling of protein sequence and biophysical properties (such as structural, functional, and spatial information, amino acid conservation, physicochemical variation, residue mobility, and thermodynamic stability) performed at Invitae indicates that this missense variant is not expected to disrupt KMT2D protein function. This variant has not been reported in the literature in individuals affected with KMT2D-related conditions. This variant is not present in population databases (gnomAD no frequency). This sequence change replaces glycine, which is neutral and non-polar, with valine, which is neutral and non-polar, at codon 2265 of the KMT2D protein (p.Gly2265Val).